The following is an entry in ClinVar:

ClinVar aggregate classification (germline): Benign (1 of 4 stars; one submission).

Conditions:
Colorectal cancer, hereditary nonpolyposis, type 7. Identifiers: Orphanet 144, MedGen C1858380, MONDO:0013725, OMIM 614385.

gnomAD v4.1: 1 of 1,613,896 alleles (0.000062%); highest among the groups gnomAD compares: Non-Finnish European, 0.000085%; no homozygotes.

Submission:

Myriad Genetics, Inc.
Classification: Benign for Colorectal cancer, hereditary nonpolyposis, type 7. Last evaluated: 2026-04-30. Review status: criteria provided, single submitter. Criteria: Myriad Autosomal Dominant, Autosomal Recessive and X-Linked Classification Criteria (2023). Collection method: clinical testing. Allele origin: unknown.
Comment: This variant is considered benign. This variant is a silent/synonymous amino acid change and it is not expected to impact splicing.

NM_001040108.2(MLH3):c.1653A>G (p.Pro551=)

Gene: MLH3 (mutL homolog 3; minus strand). Cytogenetic location: 14q24.3.
Variant type: single nucleotide variant.
Coding change: c.1653A>G on transcript NM_001040108.2 (MANE Select); coding-DNA position 1653, A replaced by G.
Protein change: p.Pro551=; no amino-acid change (proline 551 retained).
Molecular consequence: synonymous variant.
Genome position (GRCh38, 1-based): chr14:75,048,003, T>C on the plus strand (A>G on the coding strand, the complement: MLH3 is on the minus strand). VCF-style: chr14-75048003-T-C. GRCh37 (hg19) VCF-style: chr14-75514706-T-C.
Other names: c.1653A>G, p.Pro551= (NM_014381.3).
Identifiers: ClinVar variation 4875873 (VCV004875873.1).
Genomic context (GRCh38, chr14:75,048,003, plus strand): 5'-TAATGTTGTTGCAAAAGGCAGAGGCTGGCATCCCACTTCAGTAGCATCTTTAAATCTCTT[T>C]GGTTGATTCTGAATTCTATTATTTTTCAAGATGTTGGCAGCCATGCCATTAACAGTAGTA-3'
Protein context (NP_001035197.1, residues 541-561): ILKNNRIQNQ[Pro551=]KRFKDATEVG